The following is an entry in ClinVar:

ClinVar aggregate classification (germline): Uncertain significance (1 of 4 stars; one submission).

gnomAD v4.1: 1 of 1,613,864 alleles (0.000062%); highest among the groups gnomAD compares: East Asian, 0.0022%; no homozygotes.

Submission:

Ambry Genetics
Classification: Uncertain significance. Last evaluated: 2024-01-25. Review status: criteria provided, single submitter. Criteria: Ambry Variant Classification Scheme 2023. Collection method: clinical testing. Allele origin: germline.
Comment: The p.Y802C variant (also known as c.2405A>G), located in coding exon 20 of the BUB1 gene, results from an A to G substitution at nucleotide position 2405. The tyrosine at codon 802 is replaced by cysteine, an amino acid with highly dissimilar properties. This amino acid position is conserved. In addition, the in silico prediction for this alteration is inconclusive. Based on the available evidence, the clinical significance of this alteration remains unclear.

NM_004336.5(BUB1):c.2405A>G (p.Tyr802Cys)

Gene: BUB1 (BUB1 mitotic checkpoint serine/threonine kinase; minus strand). Cytogenetic location: 2q13.
Variant type: single nucleotide variant.
Coding change: c.2405A>G on transcript NM_004336.5 (MANE Select); coding-DNA position 2405, A replaced by G.
Protein change: p.Tyr802Cys; replaces tyrosine 802 with cysteine.
Molecular consequence: missense variant.
Genome position (GRCh38, 1-based): chr2:110,642,177, T>C on the plus strand (A>G on the coding strand, the complement: BUB1 is on the minus strand). VCF-style: chr2-110642177-T-C. GRCh37 (hg19) VCF-style: chr2-111399754-T-C.
Other names: c.2345A>G, p.Tyr782Cys (NM_001278616.2); c.2405A>G, p.Tyr802Cys (NM_001278617.2); short protein forms Y782C, Y802C.
Identifiers: ClinVar variation 3224045 (VCV003224045.1), dbSNP rs2467973498, ClinGen allele CA348090954.